The following is an entry in ClinVar:

NM_001042492.3(NF1):c.5792_5812+7del

Gene: NF1 (neurofibromin 1; plus strand). Cytogenetic location: 17q11.2.
Variant type: Deletion.
Coding change: c.5792_5812+7del on transcript NM_001042492.3 (MANE Select); coding-DNA position 5792 through 7 bases into the intron after coding-DNA position 5812, 28 bases deleted (TTTCTGGATTTAGCAAATCTAGTAAGTA).
Molecular consequence: splice donor variant.
Genome position (GRCh38, 1-based): chr17:31,330,478-31,330,505, TTTCTGGATTTAGCAAATCTAGTAAGTA deleted; deleting any 28 consecutive bases within chr17:31,330,475-31,330,505 gives the same sequence; the c. name uses the placement nearest the transcript's 3' end. VCF-style (leftmost placement, unchanged base first): chr17-31330474-TGTATTTCTGGATTTAGCAAATCTAGTAA-T. GRCh37 (hg19) VCF-style: chr17-29657492-TGTATTTCTGGATTTAGCAAATCTAGTAA-T.
Other names: c.5729_5749+7del28 (NM_000267.3); c.5729_5749+7del (NM_000267.4).
Identifiers: ClinVar variation 2700441 (VCV002700441.4), dbSNP rs2508719518, ClinGen allele CA2697559558.
Genomic context (GRCh38, chr17:31,330,474, plus strand): 5'-TCTATTAGTAAGACACTGGCAGCCAATGAGCCACACCTCACGTTAGAATTTTTGGAAGAG[TGTATTTCTGGATTTAGCAAATCTAGTAA>T]GTAATGATAATTTTCTTTAATACTAACAATTATTCTAAGAGAATTCAAAGAAAACCCTTT-3'

ClinVar aggregate classification (germline): Pathogenic/Likely pathogenic. Review status: criteria provided, multiple submitters, no conflicts (2 of 4 stars). 2 submissions from 2 submitters: Pathogenic (1); Likely pathogenic (1). Last evaluated 2024-01-12.

Conditions:
Neurofibromatosis, type 1 (NF1). Also called: Peripheral type neurofibromatosis; VON RECKLINGHAUSEN DISEASE; Neurofibromatosis, type I; NEUROFIBROMATOSIS, TYPE I, SOMATIC. Identifiers: Orphanet 636, MedGen C0027831, MONDO:0018975, OMIM 162200. Disease mechanism: loss of function.
Cardiovascular phenotype. Identifiers: MedGen CN230736.
Hereditary cancer-predisposing syndrome. Also called: Hereditary Cancer Syndrome; Hereditary neoplastic syndrome; Neoplastic Syndromes, Hereditary; Tumor predisposition. Identifiers: Orphanet 140162, MedGen C0027672, MeSH D009386, MONDO:0015356.

Submissions (2):

Ambry Genetics
Classification: Pathogenic for Cardiovascular phenotype; Hereditary cancer-predisposing syndrome. Last evaluated: 2024-01-12. Review status: criteria provided, single submitter. Criteria: Ambry Variant Classification Scheme 2023. Collection method: clinical testing. Allele origin: germline.
Comment: The c.5729_5749+7del28 pathogenic mutation results from a deletion of 28 nucleotides between positions c.5729 and c.5749+7 and involves the canonical splice donor site after coding exon 38 of the NF1 gene. This mutation has been observed in at least one individual with a personal and/or family history that is consistent with neurofibromatosis type 1 (Ambry internal data). In silico splice site analysis predicts that this alteration will weaken the native splice donor site. RNA studies have demonstrated that this alteration results in abnormal splicing in the set of samples tested (Ambry internal data). This nucleotide position is well conserved in available vertebrate species. This variant is considered to be rare based on population cohorts in the Genome Aggregation Database (gnomAD). Based on the supporting evidence, this alteration is interpreted as a disease-causing mutation.

Labcorp Genetics (formerly Invitae), Labcorp
Classification: Likely pathogenic for Neurofibromatosis, type 1. Last evaluated: 2023-12-27. Review status: criteria provided, single submitter. Criteria: Invitae Variant Classification Sherloc (09022015). Collection method: clinical testing. Allele origin: germline.
Comment: This variant results in the deletion of part of exon 38 (c.5729_5749+7del) of the NF1 gene. It is expected to disrupt RNA splicing. Variants that disrupt the donor or acceptor splice site typically lead to a loss of protein function (PMID: 16199547), and loss-of-function variants in NF1 are known to be pathogenic (PMID: 10712197, 23913538). This variant is not present in population databases (gnomAD no frequency). This variant has not been reported in the literature in individuals affected with NF1-related conditions. In summary, the currently available evidence indicates that the variant is pathogenic, but additional data are needed to prove that conclusively. Therefore, this variant has been classified as Likely Pathogenic.

Literature cited by the submitters: PubMed 16199547 (cited by Labcorp Genetics (formerly Invitae), Labcorp); PubMed 10712197 (cited by Labcorp Genetics (formerly Invitae), Labcorp); PubMed 23913538 (cited by Labcorp Genetics (formerly Invitae), Labcorp).